The following is an entry in ClinVar:

NM_020719.3(PRR12):c.2612A>G (p.Glu871Gly)

Gene: PRR12 (proline rich 12; plus strand). Cytogenetic location: 19q13.33.
Variant type: single nucleotide variant.
Coding change: c.2612A>G on transcript NM_020719.3 (MANE Select); coding-DNA position 2612, A replaced by G.
Protein change: p.Glu871Gly; replaces glutamic acid 871 with glycine.
Molecular consequence: missense variant.
Genome position (GRCh38, 1-based): chr19:49,596,947, A>G. VCF-style: chr19-49596947-A-G. GRCh37 (hg19) VCF-style: chr19-50100204-A-G.
Other names: short protein forms E871G.
Identifiers: ClinVar variation 4687194 (VCV004687194.1).
Genomic context (GRCh38, chr19:49,596,947, plus strand): 5'-AGGCCCACCTCCGCAGCCATGGCCTGGAGCCCGCGGCCCCCAGCCCCCGCCTGCGACCCG[A>G]GGAGAGCCTGGATCCGCCAGGCGCCATGCAGGAATTGCTCGGGGCTCTGGAGCCGCTGCC-3'
Protein context (NP_065770.1, residues 861-881): PAAPSPRLRP[Glu871Gly]ESLDPPGAMQ

ClinVar aggregate classification (germline): Uncertain significance (1 of 4 stars; one submission).

Submission:

Women's Health and Genetics/Laboratory Corporation of America, LabCorp
Classification: Uncertain significance. Last evaluated: 2025-10-30. Review status: criteria provided, single submitter. Criteria: LabCorp Variant Classification Summary - May 2015. Collection method: clinical testing. Allele origin: germline.
Comment: Variant summary: PRR12 c.2612A>G (p.Glu871Gly) results in a non-conservative amino acid change in the encoded protein sequence. Algorithms developed to predict the effect of missense changes on protein structure and function are either unavailable or do not agree on the potential impact of this missense change. The variant was absent in 146092 control chromosomes. The available data on variant occurrences in the general population are insufficient to allow any conclusion about variant significance. To our knowledge, no occurrence of c.2612A>G in individuals affected with PRR12-related conditions and no experimental evidence demonstrating its impact on protein function have been reported. No submitters have cited clinical-significance assessments for this variant to ClinVar. Based on the evidence outlined above, the variant was classified as uncertain significance.